The following is an entry in ClinVar:

NM_152564.5(VPS13B):c.3203C>T (p.Thr1068Ile)

Gene: VPS13B (vacuolar protein sorting 13 homolog B; plus strand). Cytogenetic location: 8q22.2.
Variant type: single nucleotide variant.
Coding change: c.3203C>T on transcript NM_152564.5 (MANE Select); coding-DNA position 3203, C replaced by T.
Protein change: p.Thr1068Ile; replaces threonine 1068 with isoleucine.
Molecular consequence: missense variant.
Genome position (GRCh38, 1-based): chr8:99,431,657, C>T. VCF-style: chr8-99431657-C-T. GRCh37 (hg19) VCF-style: chr8-100443885-C-T.
Other names: c.3203C>T, p.Thr1068Ile (NM_017890.5); short protein forms T1068I.
Identifiers: ClinVar variation 95844 (VCV000095844.64), dbSNP rs61753722, ClinGen allele CA148934.
Genomic context (GRCh38, chr8:99,431,657, plus strand): 5'-GTCCTGAAGAAAGAATGAAGGAATTTATTGGAATTGTTTGGAATGCAGTGAAGCATCTCA[C>T]ACTACAGGTAAAATAAAAGTTAGAAATATTATGGATATAATTTCTATAATCCTTTTTAAT-3'
Protein context (NP_689777.3, residues 1058-1078): GIVWNAVKHL[Thr1068Ile]LQLEVQSCCV

ClinVar aggregate classification (germline): Benign/Likely benign. Review status: criteria provided, multiple submitters, no conflicts (2 of 4 stars). 15 submissions from 15 submitters: Benign (11); Likely benign (3). 1 of the submissions does not count toward it. Last evaluated 2026-09-01.

Conditions:
Inborn genetic diseases. Identifiers: MedGen C0950123, MeSH D030342.
Cohen syndrome (COH1). Also called: PEPPER SYNDROME; Cutis verticis gyrata, retinitis pigmentosa, and sensorineural deafness. Identifiers: Orphanet 193, MedGen C0265223, MONDO:0008999, OMIM 216550.

Allele frequency attached by ClinVar (database versions not stated): gnomAD exomes 0.01049 and 0.00944; TOPMed 0.00650; ExAC 0.01088; 1000 Genomes Project 30x 0.01093; gnomAD 0.00690 and 0.00795; ESP Exome Variant Server 0.00723; 1000 Genomes Project 0.01098.
gnomAD v4.1: 15,044 of 1,611,946 alleles (0.93%); highest among the groups gnomAD compares: South Asian, 3.4%; 150 homozygotes.

Submissions (15):

CeGaT Center for Human Genetics Tuebingen
Classification: Benign. Last evaluated: 2026-09-01. Review status: criteria provided, single submitter. Criteria: CeGaT Center For Human Genetics Tuebingen Variant Classification Criteria Version 2. Collection method: clinical testing. Allele origin: germline. Affected: yes. Observed: 73 variant alleles.
Comment: VPS13B: BS1, BS2

Labcorp Genetics (formerly Invitae), Labcorp
Classification: Benign for Cohen syndrome. Last evaluated: 2026-02-04. Review status: criteria provided, single submitter. Criteria: Invitae Variant Classification Sherloc (09022015). Collection method: clinical testing. Allele origin: germline.

Genomic Medicine Center of Excellence, King Faisal Specialist Hospital and Research Centre
Classification: Likely benign. Last evaluated: 2025-08-18. Review status: criteria provided, single submitter. Criteria: ACMG Guidelines, 2015. Collection method: clinical testing. Allele origin: germline.

Genome-Nilou Lab
Classification: Benign for Cohen syndrome. Last evaluated: 2021-07-01. Review status: criteria provided, single submitter. Criteria: ACMG Guidelines, 2015. Collection method: clinical testing. Allele origin: germline. Affected: no.

Mayo Clinic Laboratories, Mayo Clinic
Classification: Benign. Last evaluated: 2020-02-13. Review status: criteria provided, single submitter. Criteria: ACMG Guidelines, 2015. Collection method: clinical testing. Allele origin: germline. Observed: 20 variant alleles.

GeneDx
Classification: Benign. Last evaluated: 2019-07-25. Review status: criteria provided, single submitter. Criteria: GeneDx Variant Classification Process June 2021. Collection method: clinical testing. Allele origin: germline. Affected: yes.
Comment: This variant is associated with the following publications: (PMID: 29758347)

Athena Diagnostics
Classification: Benign. Last evaluated: 2018-01-30. Review status: criteria provided, single submitter. Criteria: Athena Diagnostics Criteria. Collection method: clinical testing. Allele origin: germline.

Illumina Laboratory Services, Illumina
Classification: Benign for Cohen syndrome. Last evaluated: 2018-01-13. Review status: criteria provided, single submitter. Criteria: ICSL Variant Classification Criteria 13 December 2019. Collection method: clinical testing. Allele origin: germline.
Comment: This variant was observed in the ICSL laboratory as part of a predisposition screen in an ostensibly healthy population. It had not been previously curated by ICSL or reported in the Human Gene Mutation Database (HGMD: prior to June 1st, 2018), and was therefore a candidate for classification through an automated scoring system. Utilizing variant allele frequency, disease prevalence and penetrance estimates, and inheritance mode, an automated score was calculated to assess if this variant is too frequent to cause the disease. Based on the score and internal cut-off values, a variant classified as benign is not then subjected to further curation. The score for this variant resulted in a classification of benign for this disease.

Women's Health and Genetics/Laboratory Corporation of America, LabCorp
Classification: Benign. Last evaluated: 2017-09-18. Review status: criteria provided, single submitter. Criteria: LabCorp Variant Classification Summary - May 2015. Collection method: clinical testing. Allele origin: germline.

Ambry Genetics
Classification: Benign for Inborn genetic diseases. Last evaluated: 2016-05-06. Review status: criteria provided, single submitter. Criteria: Ambry Variant Classification Scheme 2023. Collection method: clinical testing. Allele origin: germline.

Center for Pediatric Genomic Medicine, Children's Mercy Hospital and Clinics
Classification: Likely benign. Last evaluated: 2016-01-29. Review status: criteria provided, single submitter. Criteria: ACMG Guidelines, 2015. Collection method: clinical testing. Allele origin: germline.
ClinVar note: Converted during submission from Likely Benign to Likely benign.

Genetic Services Laboratory, University of Chicago
Classification: Benign. Last evaluated: 2014-05-02. Review status: criteria provided, single submitter. Criteria: ACMG Guidelines, 2015. Collection method: clinical testing. Allele origin: germline.

Eurofins Ntd Llc (ga)
Classification: Benign. Last evaluated: 2012-11-30. Review status: criteria provided, single submitter. Criteria: EGL Classification Definitions 2015. Collection method: clinical testing. Allele origin: germline. Observed: 1 variant allele, 1 heterozygote.

Breakthrough Genomics
Classification: Likely benign. Review status: criteria provided, single submitter. Criteria: ACMG Guidelines, 2015. Collection method: not provided. Allele origin: germline. Inheritance: Autosomal recessive inheritance. Affected: yes.

Natera, Inc.
Classification: Benign for Cohen syndrome. Last evaluated: 2019-12-06. Review status: no assertion criteria provided. Collection method: clinical testing. Allele origin: germline. Not counted in ClinVar's aggregate classification.